The following is an entry in ClinVar:

ClinVar aggregate classification (germline): Uncertain significance. Review status: criteria provided, multiple submitters, no conflicts (2 of 4 stars). 2 submissions from 2 submitters: Uncertain significance (2). Last evaluated 2023-06-05.

Submissions (2):

GeneDx
Classification: Uncertain significance. Last evaluated: 2023-06-05. Review status: criteria provided, single submitter. Criteria: GeneDx Variant Classification Process June 2021. Collection method: clinical testing. Allele origin: germline. Affected: yes.
Comment: Not observed at significant frequency in large population cohorts (gnomAD); In silico analysis supports that this missense variant has a deleterious effect on protein structure/function; Has not been previously published as pathogenic or benign to our knowledge

Athena Diagnostics
Classification: Uncertain significance. Last evaluated: 2020-10-16. Review status: criteria provided, single submitter. Criteria: Athena Diagnostics criteria. Collection method: clinical testing. Allele origin: unknown.

NM_001127222.2(CACNA1A):c.5827A>G (p.Thr1943Ala)

Gene: CACNA1A (calcium voltage-gated channel subunit alpha1 A; minus strand). Cytogenetic location: 19p13.13.
Variant type: single nucleotide variant.
Coding change: c.5827A>G on transcript NM_001127222.2 (MANE Select); coding-DNA position 5827, A replaced by G.
Protein change: p.Thr1943Ala; replaces threonine 1943 with alanine.
Molecular consequence: missense variant.
Genome position (GRCh38, 1-based): chr19:13,214,513, T>C on the plus strand (A>G on the coding strand, the complement: CACNA1A is on the minus strand). VCF-style: chr19-13214513-T-C. GRCh37 (hg19) VCF-style: chr19-13325327-T-C.
Other names: c.5845A>G, p.Thr1949Ala (NM_000068.4, NM_023035.3); c.5830A>G, p.Thr1944Ala (NM_001127221.2); c.5836A>G, p.Thr1946Ala (NM_001174080.2); c.5830A>G (NM_001127221.1); short protein forms T1943A, T1944A, T1946A, T1949A.
Identifiers: ClinVar variation 1256622 (VCV001256622.2), dbSNP rs2144537372, ClinGen allele CA404334303.